The following is an entry in ClinVar:

NM_001349798.2(FBXW7):c.1274G>T (p.Trp425Leu)

Gene: FBXW7 (F-box and WD repeat domain containing 7; minus strand). Cytogenetic location: 4q31.3.
Variant type: single nucleotide variant.
Coding change: c.1274G>T on transcript NM_001349798.2 (MANE Select); coding-DNA position 1274, G replaced by T.
Protein change: p.Trp425Leu; replaces tryptophan 425 with leucine.
Molecular consequence: missense variant.
Genome position (GRCh38, 1-based): chr4:152,328,352, C>A on the plus strand (G>T on the coding strand, the complement: FBXW7 is on the minus strand). VCF-style: chr4-152328352-C-A. GRCh37 (hg19) VCF-style: chr4-153249504-C-A.
Other names: c.920G>T, p.Trp307Leu (NM_001013415.2); c.1034G>T, p.Trp345Leu (NM_018315.5); c.1274G>T, p.Trp425Leu (NM_033632.3); short protein forms W307L, W345L, W425L.
Identifiers: ClinVar variation 4530534 (VCV004530534.1).
Genomic context (GRCh38, chr4:152,328,352, plus strand): 5'-ACTTTGAGTGTCCGATCTGTAGATCCACTAATGATGATGTTGTCTCTCATTTGTGATGAC[C>A]ATACTCCACCTGTATGTCCCACTAATGTTCTCAGACACTGGAAAAACACTTAAGATGATT-3'
Protein context (NP_001336727.1, residues 415-435): RTLVGHTGGV[Trp425Leu]SSQMRDNIII

ClinVar aggregate classification (somatic clinical impact): Tier I - Strong (1 of 4 stars; one submission).

Conditions:
Embryonal rhabdomyosarcoma (ERMS). Also called: Botryoid rhabdomyosarcoma (type of ERMS); Spindle cell rhabdomyosarcomas (type of ERMS). Identifiers: Orphanet 99757, MedGen C0206656, MONDO:0009993, HP:0006743.

Submission:

Institute for Genomic Medicine (IGM) Clinical Laboratory, Nationwide Children's Hospital
Classification: Tier I - Strong for Embryonal rhabdomyosarcoma. Assertion type: diagnostic. Clinical significance: supports diagnosis. Last evaluated: 2023-03-27. Review status: criteria provided, single submitter. Criteria: AMP/ASCO/CAP Guidelines, 2017. Collection method: clinical testing. Allele origin: somatic. Affected: yes.
Comment: Variant has Tier I (strong) clinical significance as a diagnostic inclusion criterion in embryonal rhabdomyosarcoma, based on the following evidence: 1) Documented in one or more cancer databases (e.g., St. Jude Pecan, COSMIC, CIViC, OncoKB). 2) Appears in one or more well-established professional guidelines (e.g., World Health Organization [WHO]; National Comprehensive Cancer Network [NCCN]) as providing diagnostic, prognostic, or therapeutic information. 3) Diagnostic for a specific tumor type/classification based on well-powered studies with expert-level consensus (Evidence Level B; PMIDs: 24436047, 34166060, 25768946).

Literature cited by the submitters: PubMed 24436047; PubMed 34166060; PubMed 25768946.